The following is an entry in ClinVar:

ClinVar aggregate classification (germline): Uncertain significance. Review status: criteria provided, multiple submitters, no conflicts (2 of 4 stars). 2 submissions from 2 submitters: Uncertain significance (2). Last evaluated 2025-06-02.

Conditions:
Inborn genetic diseases. Identifiers: MedGen C0950123, MeSH D030342.

Allele frequency attached by ClinVar (database versions not stated): gnomAD 0.00001; TOPMed 0.00001.

Submissions (2):

Labcorp Genetics (formerly Invitae), Labcorp
Classification: Uncertain significance. Last evaluated: 2025-06-02. Review status: criteria provided, single submitter. Criteria: Invitae Variant Classification Sherloc (09022015). Collection method: clinical testing. Allele origin: germline.
Comment: This sequence change replaces arginine, which is basic and polar, with tryptophan, which is neutral and slightly polar, at codon 42 of the ADAMTS17 protein (p.Arg42Trp). The frequency data for this variant in the population databases is considered unreliable, as metrics indicate insufficient coverage at this position in the gnomAD database. This variant has not been reported in the literature in individuals affected with ADAMTS17-related conditions. ClinVar contains an entry for this variant (Variation ID: 2085273). An algorithm developed to predict the effect of missense changes on protein structure and function (PolyPhen-2) suggests that this variant is likely to be disruptive. In summary, the available evidence is currently insufficient to determine the role of this variant in disease. Therefore, it has been classified as a Variant of Uncertain Significance.

Ambry Genetics
Classification: Uncertain significance for Inborn genetic diseases. Last evaluated: 2025-04-08. Review status: criteria provided, single submitter. Criteria: Ambry Variant Classification Scheme 2023. Collection method: clinical testing. Allele origin: germline.

NM_139057.4(ADAMTS17):c.124C>T (p.Arg42Trp)

Gene: ADAMTS17 (ADAM metallopeptidase with thrombospondin type 1 motif 17; minus strand). Cytogenetic location: 15q26.3.
Variant type: single nucleotide variant.
Coding change: c.124C>T on transcript NM_139057.4 (MANE Select); coding-DNA position 124, C replaced by T.
Protein change: p.Arg42Trp; replaces arginine 42 with tryptophan.
Molecular consequence: missense variant.
Genome position (GRCh38, 1-based): chr15:100,341,365, G>A on the plus strand (C>T on the coding strand, the complement: ADAMTS17 is on the minus strand). VCF-style: chr15-100341365-G-A. GRCh37 (hg19) VCF-style: chr15-100881570-G-A.
Other names: c.124C>T (NM_139057.2); short protein forms R42W.
Identifiers: ClinVar variation 2085273 (VCV002085273.3), dbSNP rs1235410237, ClinGen allele CA394525671.